The following is an entry in ClinVar:

NM_001384732.1(CPLANE1):c.8294T>A (p.Leu2765Ter)

Gene: CPLANE1 (ciliogenesis and planar polarity effector complex subunit 1; minus strand). Cytogenetic location: 5p13.2.
Variant type: single nucleotide variant.
Coding change: c.8294T>A on transcript NM_001384732.1 (MANE Select); coding-DNA position 8294, T replaced by A.
Protein change: p.Leu2765Ter; replaces leucine 2765 with a stop codon.
Molecular consequence: nonsense.
Genome position (GRCh38, 1-based): chr5:37,153,819, A>T on the plus strand (T>A on the coding strand, the complement: CPLANE1 is on the minus strand). VCF-style: chr5-37153819-A-T. GRCh37 (hg19) VCF-style: chr5-37153921-A-T.
Other names: c.8132T>A, p.Leu2711Ter (NM_023073.4); short protein forms L2711*, L2765*.
Identifiers: ClinVar variation 4735009 (VCV004735009.1).

ClinVar aggregate classification (germline): Pathogenic (1 of 4 stars; one submission).

Submission:

Labcorp Genetics (formerly Invitae), Labcorp
Classification: Pathogenic. Last evaluated: 2026-01-09. Review status: criteria provided, single submitter. Criteria: Invitae Variant Classification Sherloc (09022015). Collection method: clinical testing. Allele origin: germline.
Comment: This sequence change creates a premature translational stop signal (p.Leu2711*) in the CPLANE1 gene. It is expected to result in an absent or disrupted protein product. Loss-of-function variants in CPLANE1 are known to be pathogenic (PMID: 24178751, 26092869). This variant is not present in population databases (gnomAD no frequency). This variant has not been reported in the literature in individuals affected with CPLANE1-related conditions. For these reasons, this variant has been classified as Pathogenic.

Literature cited by the submitters: PubMed 24178751; PubMed 26092869.